The following is an entry in ClinVar:

ClinVar aggregate classification (germline): Uncertain significance (1 of 4 stars; one submission).

Submission:

GeneDx
Classification: Uncertain significance. Last evaluated: 2019-03-21. Review status: criteria provided, single submitter. Criteria: GeneDx Variant Classification Process June 2021. Collection method: clinical testing. Allele origin: germline. Affected: yes.
Comment: Has not been previously published as pathogenic or benign to our knowledge; Not observed in large population cohorts (Lek et al., 2016); Not located in the A-band nor the M-line region of titin, where the majority of pathogenic truncating variants have been reported; In silico analysis, which includes splice predictors and evolutionary conservation, supports that this variant does not alter protein structure/function; Missense variant in a gene in which most reported pathogenic variants are truncating/loss-of-function

NM_001267550.2(TTN):c.25190G>A (p.Gly8397Glu)

Gene: TTN (titin; minus strand). Cytogenetic location: 2q31.2.
Variant type: single nucleotide variant.
Coding change: c.25190G>A on transcript NM_001267550.2 (MANE Select); coding-DNA position 25190, G replaced by A.
Protein change: p.Gly8397Glu; replaces glycine 8397 with glutamic acid.
Molecular consequence: missense variant. On other transcripts: intron variant (3).
Genome position (GRCh38, 1-based): chr2:178,717,684, C>T on the plus strand (G>A on the coding strand, the complement: TTN is on the minus strand). VCF-style: chr2-178717684-C-T. GRCh37 (hg19) VCF-style: chr2-179582411-C-T.
Other names: c.24239G>A, p.Gly8080Glu (NM_001256850.1); c.21458G>A, p.Gly7153Glu (NM_133378.4); c.13282+20398G>A (NM_003319.4); c.13858+20398G>A (NM_133437.4); c.13657+20398G>A (NM_133432.3); short protein forms G7153E, G8080E, G8397E.
Identifiers: ClinVar variation 1308230 (VCV001308230.2), dbSNP rs1371524855, ClinGen allele CA349488125.
Genomic context (GRCh38, chr2:178,717,684, plus strand): 5'-AGAGTTGCTACATTATGAACAAAAGATGTCTGCAAATTAGCATCATCTTTCAAAAGAACC[C>T]CATCCTTGTACCAAGACACTTGAAGAGGTTCTGAGCCATTGATGCGGCATTCAAATGCAA-3'
Protein context (NP_001254479.2, residues 8387-8407): EPLQVSWYKD[Gly8397Glu]VLLKDDANLQ